The following is an entry in ClinVar:

NM_017654.4(SAMD9):c.2566C>T (p.Gln856Ter)

Gene: SAMD9 (sterile alpha motif domain containing 9; minus strand). Cytogenetic location: 7q21.2.
Variant type: single nucleotide variant.
Coding change: c.2566C>T on transcript NM_017654.4 (MANE Select); coding-DNA position 2566, C replaced by T.
Protein change: p.Gln856Ter; replaces glutamine 856 with a stop codon.
Molecular consequence: nonsense.
Genome position (GRCh38, 1-based): chr7:93,103,532, G>A on the plus strand (C>T on the coding strand, the complement: SAMD9 is on the minus strand). VCF-style: chr7-93103532-G-A. GRCh37 (hg19) VCF-style: chr7-92732845-G-A.
Other names: c.2566C>T, p.Gln856Ter (NM_001193307.2); short protein forms Q856*.
Identifiers: ClinVar variation 3695716 (VCV003695716.2).

ClinVar aggregate classification (germline): Uncertain significance (1 of 4 stars; one submission).

Submission:

Labcorp Genetics (formerly Invitae), Labcorp
Classification: Uncertain significance. Last evaluated: 2024-07-27. Review status: criteria provided, single submitter. Criteria: Invitae Variant Classification Sherloc (09022015). Collection method: clinical testing. Allele origin: germline.
Comment: This sequence change creates a premature translational stop signal (p.Gln856*) in the SAMD9 gene. While this is not anticipated to result in nonsense mediated decay, it is expected to disrupt the last 734 amino acid(s) of the SAMD9 protein. This variant is not present in population databases (gnomAD no frequency). This variant has not been reported in the literature in individuals affected with SAMD9-related conditions. Experimental studies and prediction algorithms are not available or were not evaluated, and the functional significance of this variant is currently unknown. In summary, the available evidence is currently insufficient to determine the role of this variant in disease. Therefore, it has been classified as a Variant of Uncertain Significance.